The following is an entry in ClinVar:

ClinVar aggregate classification (germline): Uncertain significance (1 of 4 stars; one submission).

Allele frequency attached by ClinVar (database versions not stated): gnomAD 0.00003; TOPMed 0.00003.

Submission:

Labcorp Genetics (formerly Invitae), Labcorp
Classification: Uncertain significance. Last evaluated: 2024-10-28. Review status: criteria provided, single submitter. Criteria: Invitae Variant Classification Sherloc (09022015). Collection method: clinical testing. Allele origin: germline.
Comment: This sequence change replaces asparagine, which is neutral and polar, with serine, which is neutral and polar, at codon 782 of the IREB2 protein (p.Asn782Ser). This variant is present in population databases (rs757605855, gnomAD 0.004%). This variant has not been reported in the literature in individuals affected with IREB2-related conditions. ClinVar contains an entry for this variant (Variation ID: 2075919). An algorithm developed to predict the effect of missense changes on protein structure and function (PolyPhen-2) suggests that this variant is likely to be disruptive. In summary, the available evidence is currently insufficient to determine the role of this variant in disease. Therefore, it has been classified as a Variant of Uncertain Significance.

NM_004136.4(IREB2):c.2345A>G (p.Asn782Ser)

Gene: IREB2 (iron responsive element binding protein 2; plus strand). Cytogenetic location: 15q25.1.
Variant type: single nucleotide variant.
Coding change: c.2345A>G on transcript NM_004136.4 (MANE Select); coding-DNA position 2345, A replaced by G.
Protein change: p.Asn782Ser; replaces asparagine 782 with serine.
Molecular consequence: missense variant.
Genome position (GRCh38, 1-based): chr15:78,493,929, A>G. VCF-style: chr15-78493929-A-G. GRCh37 (hg19) VCF-style: chr15-78786271-A-G.
Other names: c.1595A>G, p.Asn532Ser (NM_001320941.2); c.2174A>G, p.Asn725Ser (NM_001320942.2, NM_001354994.2); short protein forms N532S, N725S, N782S.
Identifiers: ClinVar variation 2075919 (VCV002075919.3), dbSNP rs757605855, ClinGen allele CA7683224.
Genomic context (GRCh38, chr15:78,493,929, plus strand): 5'-CCACATGTAATGAAAACTGACTTTCATTACTTTCTTGTAGCCTTACCCCTCGTGAATTCA[A>G]CTCTTACGGAGCTCGAAGAGGTAATGATGCTGTAATGACAAGAGGCACTTTTGCAAATAT-3'
Protein context (NP_004127.2, residues 772-792): TNRGLTPREF[Asn782Ser]SYGARRGNDA